The following is an entry in ClinVar:

NM_012414.4(RAB3GAP2):c.2884G>A (p.Glu962Lys)

Gene: RAB3GAP2 (RAB3 GTPase activating non-catalytic protein subunit 2; minus strand). Cytogenetic location: 1q41.
Variant type: single nucleotide variant.
Coding change: c.2884G>A on transcript NM_012414.4 (MANE Select); coding-DNA position 2884, G replaced by A.
Protein change: p.Glu962Lys; replaces glutamic acid 962 with lysine.
Molecular consequence: missense variant.
Genome position (GRCh38, 1-based): chr1:220,167,598, C>T on the plus strand (G>A on the coding strand, the complement: RAB3GAP2 is on the minus strand). VCF-style: chr1-220167598-C-T. GRCh37 (hg19) VCF-style: chr1-220340940-C-T.
Other names: short protein forms E962K.
Identifiers: ClinVar variation 1019074 (VCV001019074.8), dbSNP rs1658094190, ClinGen allele CA344636608.

ClinVar aggregate classification (germline): Uncertain significance (1 of 4 stars; one submission).

Conditions:
Martsolf syndrome (MARTS). Also called: Congenital cataract with intellectual disability and hypogonadotropic hypogonadism syndrome. Identifiers: Orphanet 1387, MedGen C0796037, MONDO:0023910.
Warburg micro syndrome 2 (WARBM2). Also called: MICRO SYNDROME 2. Identifiers: Orphanet 2510, MedGen C3280214, MONDO:0013641, OMIM 614225.

Allele frequency attached by ClinVar (database versions not stated): gnomAD exomes below 0.00001.
gnomAD v4.1: 2 of 1,614,130 alleles (0.00012%); highest among the groups gnomAD compares: Non-Finnish European, 0.000085%; no homozygotes.

Submission:

Labcorp Genetics (formerly Invitae), Labcorp
Classification: Uncertain significance for Martsolf syndrome; Warburg micro syndrome 2. Last evaluated: 2020-08-22. Review status: criteria provided, single submitter. Criteria: Invitae Variant Classification Sherloc (09022015). Collection method: clinical testing. Allele origin: germline.
Comment: This sequence change replaces glutamic acid with lysine at codon 962 of the RAB3GAP2 protein (p.Glu962Lys). The glutamic acid residue is weakly conserved and there is a small physicochemical difference between glutamic acid and lysine. This variant is not present in population databases (ExAC no frequency). This variant has not been reported in the literature in individuals with RAB3GAP2-related conditions. Algorithms developed to predict the effect of missense changes on protein structure and function output the following: SIFT: "Tolerated"; PolyPhen-2: "Benign"; Align-GVGD: "Class C0". The lysine amino acid residue is found in multiple mammalian species, suggesting that this missense change does not adversely affect protein function. These predictions have not been confirmed by published functional studies and their clinical significance is uncertain. In summary, the available evidence is currently insufficient to determine the role of this variant in disease. Therefore, it has been classified as a Variant of Uncertain Significance.